The following is an entry in ClinVar:

NM_014159.7(SETD2):c.6826A>T (p.Asn2276Tyr)

Gene: SETD2 (SET domain containing 2, histone lysine methyltransferase; minus strand). Cytogenetic location: 3p21.31.
Variant type: single nucleotide variant.
Coding change: c.6826A>T on transcript NM_014159.7 (MANE Select); coding-DNA position 6826, A replaced by T.
Protein change: p.Asn2276Tyr; replaces asparagine 2276 with tyrosine.
Molecular consequence: missense variant. On other transcripts: non-coding transcript variant (1).
Genome position (GRCh38, 1-based): chr3:47,056,958, T>A on the plus strand (A>T on the coding strand, the complement: SETD2 is on the minus strand). VCF-style: chr3-47056958-T-A. GRCh37 (hg19) VCF-style: chr3-47098448-T-A.
Other names: c.6694A>T, p.Asn2232Tyr (NM_001349370.3); short protein forms N2232Y, N2276Y.
Identifiers: ClinVar variation 3901409 (VCV003901409.1).
Genomic context (GRCh38, chr3:47,056,958, plus strand): 5'-ATATGGTTGCTTGAGACTGTGCAGGAGAGTACTGCTGCTGTACACTGACAGACTGTTGGT[T>A]TGAATCCCAAACACTATAATTCTGTCCCTGAACTGGGCCGGGGGCCGGCACTGGCAAGAC-3'
Protein context (NP_054878.5, residues 2266-2286): QGQNYSVWDS[Asn2276Tyr]QQSVSVQQQY

ClinVar aggregate classification (germline): Uncertain significance (1 of 4 stars; one submission).

Submission:

GeneDx
Classification: Uncertain significance. Last evaluated: 2024-12-07. Review status: criteria provided, single submitter. Criteria: GeneDx Variant Classification Process June 2021. Collection method: clinical testing. Allele origin: germline. Affected: yes.
Comment: Not observed at significant frequency in large population cohorts (gnomAD); In silico analysis indicates that this missense variant does not alter protein structure/function; Has not been previously published as pathogenic or benign to our knowledge